The following is an entry in ClinVar:

NM_000059.4(BRCA2):c.6784A>G (p.Met2262Val)

Gene: BRCA2 (BRCA2 DNA repair associated; plus strand). Cytogenetic location: 13q13.1.
Variant type: single nucleotide variant.
Coding change: c.6784A>G on transcript NM_000059.4 (MANE Select); coding-DNA position 6784, A replaced by G.
Protein change: p.Met2262Val; replaces methionine 2262 with valine.
Molecular consequence: missense variant. On other transcripts: non-coding transcript variant (1), intron variant (2).
Genome position (GRCh38, 1-based): chr13:32,341,139, A>G. VCF-style: chr13-32341139-A-G. GRCh37 (hg19) VCF-style: chr13-32915276-A-G.
Other names: c.6784A>G, p.Met2262Val (NM_001406719.1, NM_001406720.1, NM_001432077.1); c.1910-3419A>G (NM_001406721.1); c.425-3419A>G (NM_001406722.1); short protein forms M2262V.
Identifiers: ClinVar variation 4856512 (VCV004856512.1).

ClinVar aggregate classification (germline): Likely benign (1 of 4 stars; one submission).

Conditions:
Breast-ovarian cancer, familial, susceptibility to, 2 (BROVCA2). Also called: BRCA2 Hereditary Breast and Ovarian Cancer. Identifiers: Orphanet 145, MedGen C2675520, MONDO:0012933, OMIM 612555. Disease mechanism: loss of function.

gnomAD v4.1: 1 of 1,613,982 alleles (0.000062%); highest among the groups gnomAD compares: Non-Finnish European, 0.000085%; no homozygotes.

Submission:

Cancer Bioinformatics and Tumour Evolution Laboratory, Monash University
Classification: Likely benign for Breast-ovarian cancer, familial, susceptibility to, 2. Last evaluated: 2026-05-01. Review status: criteria provided, single submitter. Criteria: ClinGen BRCA1 and BRCA2 Guidelines, 2024. Collection method: curation. Allele origin: germline. Inheritance: Autosomal dominant inheritance.
Comment: Missense variant outside of a functional domain with no splice impact. BRCA1 and BRCA2 VCEP guidelines recommend application of BP1_Strong (PMID: 39142283)